The following is an entry in ClinVar:

ClinVar aggregate classification (germline): Uncertain significance. Review status: criteria provided, single submitter (1 of 4 stars). 3 submissions from 3 submitters: Uncertain significance (1). 2 of the submissions do not count toward it. Last evaluated 2023-08-03.

Conditions:
Brugada syndrome 8 (BRGDA8). Identifiers: Orphanet 130, MedGen C2751083, MONDO:0013148, OMIM 613123.
Sick sinus syndrome 2, autosomal dominant (SSS2). Also called: SICK SINUS SYNDROME 2; SICK SINUS SYNDROME 2 WITH OR WITHOUT CARDIAC NONCOMPACTION AND/OR ASCENDING AORTA DILATION; ATRIAL FIBRILLATION WITH BRADYARRHYTHMIA; SINUS BRADYCARDIA SYNDROME, FAMILIAL, AUTOSOMAL DOMINANT; SINUS NODE DISEASE, FAMILIAL, AUTOSOMAL DOMINANT. Identifiers: Orphanet 166282, MedGen C1834144, MONDO:0008102, OMIM 163800.

Allele frequency attached by ClinVar (database versions not stated): gnomAD exomes below 0.00001.
gnomAD v4.1: 5 of 1,614,080 alleles (0.00031%); highest among the groups gnomAD compares: South Asian, 0.0011%; no homozygotes.

Submissions (3):

New York Genome Center
Classification: Uncertain significance for Brugada syndrome 8; Sick sinus syndrome 2, autosomal dominant. Last evaluated: 2023-08-03. Review status: criteria provided, single submitter. Criteria: NYGC Assertion Criteria 2020. Collection method: clinical testing. Allele origin: germline. Observed: 1 heterozygote.
Comment: The c.1573C>T p.(Arg525Cys) variant identified in the HCN4 gene is located on exon 4 of this 8-exon gene and substitutes an Arginine for Cysteine at amino acid position 525 of the encoded protein. This variant has been deposited in ClinVar as a Variant of Uncertain Significance by two submitters [ClinVar ID: 1284323]. The c.1573C>T variant is absent from the population databases (gnomAD v2.1.1 and v3.1.2, TOPMed Freeze 8, All of Us), suggesting it is not a common benign variant in the populations represented in those databases. To our knowledge, this variant has not been reported in the literature in affected individuals. In silico algorithms support a damagine effect of this variant on protein function (REVEL score: 0.731). Functional studies are not available to provide more information about the variant’s damaging effect. Based on available evidence this c.1573C>T p.(Arg525Cys) variant identified in the HCN4 gene of this individual is classified as a Variant of Uncertain Significance.

Clinical Genetics, Academic Medical Center
Classification: Uncertain significance. Review status: no assertion criteria provided. Collection method: clinical testing. Allele origin: germline. Affected: yes. Study: VKGL Data-share Consensus. Not counted in ClinVar's aggregate classification.

Diagnostic Laboratory, Department of Genetics, University Medical Center Groningen
Classification: Uncertain significance. Review status: no assertion criteria provided. Collection method: clinical testing. Allele origin: germline. Affected: yes. Study: VKGL Data-share Consensus. Not counted in ClinVar's aggregate classification.

NM_005477.3(HCN4):c.1573C>T (p.Arg525Cys)

Gene: HCN4 (hyperpolarization activated cyclic nucleotide gated potassium channel 4; minus strand). Cytogenetic location: 15q24.1.
Variant type: single nucleotide variant.
Coding change: c.1573C>T on transcript NM_005477.3 (MANE Select); coding-DNA position 1573, C replaced by T.
Protein change: p.Arg525Cys; replaces arginine 525 with cysteine.
Molecular consequence: missense variant.
Genome position (GRCh38, 1-based): chr15:73,329,590, G>A on the plus strand (C>T on the coding strand, the complement: HCN4 is on the minus strand). VCF-style: chr15-73329590-G-A. GRCh37 (hg19) VCF-style: chr15-73621931-G-A.
Other names: short protein forms R525C.
Identifiers: ClinVar variation 1284323 (VCV001284323.4), dbSNP rs1429346819, ClinGen allele CA393093397.
Genomic context (GRCh38, chr15:73,329,590, plus strand): 5'-CTTGGGAGGGACCAATGTGCGGGTGCTCCCTGGGTAGACCTACCTTTTCCTGGTACTGGC[G>A]CCGGGAGGAGTCCAGGGACTGGATGAGGGCAGTGGCGTGGCCAATGAACATGGCGTAGCA-3'
Protein context (NP_005468.1, residues 515-535): ALIQSLDSSR[Arg525Cys]QYQEKYKQVE